The following is an entry in ClinVar:

ClinVar aggregate classification (germline): Likely benign (1 of 4 stars; one submission).

gnomAD v4.1: 48 of 1,613,454 alleles (0.003%); highest among the groups gnomAD compares: African/African-American, 0.06%; no homozygotes.

Submission:

CeGaT Center for Human Genetics Tuebingen
Classification: Likely benign. Last evaluated: 2025-10-01. Review status: criteria provided, single submitter. Criteria: CeGaT Center For Human Genetics Tuebingen Variant Classification Criteria Version 2. Collection method: clinical testing. Allele origin: germline. Affected: yes. Observed: 1 variant allele.
Comment: FRMD4A: BP4, BP7

NM_018027.5(FRMD4A):c.1497G>C (p.Ser499=)

Gene: FRMD4A (FERM domain containing 4A; minus strand). Cytogenetic location: 10p13.
Variant type: single nucleotide variant.
Coding change: c.1497G>C on transcript NM_018027.5 (MANE Select); coding-DNA position 1497, G replaced by C.
Protein change: p.Ser499=; no amino-acid change (serine 499 retained).
Molecular consequence: synonymous variant.
Genome position (GRCh38, 1-based): chr10:13,666,203, C>G on the plus strand (G>C on the coding strand, the complement: FRMD4A is on the minus strand). VCF-style: chr10-13666203-C-G. GRCh37 (hg19) VCF-style: chr10-13708203-C-G.
Other names: c.1545G>C, p.Ser515= (NM_001318336.2); c.1596G>C, p.Ser532= (NM_001318337.2); c.570G>C, p.Ser190= (NM_001318338.2).
Identifiers: ClinVar variation 4534262 (VCV004534262.6).
Genomic context (GRCh38, chr10:13,666,203, plus strand): 5'-GATGCGGTTCTCATTGATTGCATTTTCAATCTCCTGCAGTTTCTTCAGTGCATTCAGATA[C>G]GAGGTTTTCCTTTGTTTCTTCAGTTTTTTGCTGACGTTGGGGTCACTGGCTAGGCGGCGG-3'
Protein context (NP_060497.3, residues 489-509): SKKLKKQRKT[Ser499=]YLNALKKLQE